The following is an entry in ClinVar:

NM_000548.5(TSC2):c.1600-14C>A

Gene: TSC2 (TSC complex subunit 2; plus strand). Cytogenetic location: 16p13.3.
Variant type: single nucleotide variant.
Coding change: c.1600-14C>A on transcript NM_000548.5 (MANE Select); 14 bases into the intron before coding-DNA position 1600, C replaced by A.
Molecular consequence: intron variant.
Genome position (GRCh38, 1-based): chr16:2,065,505, C>A. VCF-style: chr16-2065505-C-A. GRCh37 (hg19) VCF-style: chr16-2115506-C-A.
Other names: c.1600-14C>A (NM_001114382.3, NM_021055.3, NM_001370405.1 and 4 more transcripts); c.1489-14C>A (NM_001318827.2); c.1000-14C>A (NM_001318831.2); c.1453-14C>A (NM_001318829.2); c.1633-14C>A (NM_001318832.2).
Identifiers: ClinVar variation 207661 (VCV000207661.12), dbSNP rs45517185, ClinGen allele CA319352.

ClinVar aggregate classification (germline): Conflicting classifications of pathogenicity. Review status: criteria provided, conflicting classifications (1 of 4 stars). 5 submissions from 5 submitters: Uncertain significance (2); Benign (1); Likely benign (2). Last evaluated 2026-01-10.

Conditions:
Tuberous sclerosis 2 (TSC2). Identifiers: Orphanet 805, MedGen C1860707, MONDO:0013199, OMIM 613254.
Tuberous sclerosis syndrome (TSC). Also called: Tuberous Sclerosis Complex; Tuberous sclerosis. Identifiers: Orphanet 805, MedGen C0041341, MONDO:0001734.

gnomAD v4.1: 19 of 1,610,338 alleles (0.0012%); highest among the groups gnomAD compares: African/African-American, 0.004%; no homozygotes.

Submissions (6):

Labcorp Genetics (formerly Invitae), Labcorp
Classification: Likely benign for Tuberous sclerosis 2. Last evaluated: 2026-01-10. Review status: criteria provided, single submitter. Criteria: Invitae Variant Classification Sherloc (09022015). Collection method: clinical testing. Allele origin: germline.

KCCC/NGS Laboratory, Kuwait Cancer Control Center
Classification: Benign for Tuberous sclerosis 2. Last evaluated: 2025-02-01. Review status: criteria provided, single submitter. Criteria: ACMG Guidelines, 2015. Collection method: clinical testing. Allele origin: germline. Affected: no.

All of Us Research Program, National Institutes of Health
Classification: Uncertain significance for Tuberous sclerosis syndrome. Last evaluated: 2024-01-08. Review status: criteria provided, single submitter. Criteria: ACMG Guidelines, 2015. Collection method: clinical testing. Allele origin: germline. Inheritance: Autosomal dominant inheritance. Observed: 4 variant alleles, 4 heterozygotes.
Comment: This variant causes a C to A nucleotide substitution at the -14 position of intron 15 of the TSC2 gene. To our knowledge, functional studies have not been reported for this variant. This variant has not been reported in individuals affected with tuberous sclerosis complex in the literature. This variant has been identified in 2/280996 chromosomes in the general population by the Genome Aggregation Database (gnomAD). The available evidence is insufficient to determine the role of this variant in disease conclusively. Therefore, this variant is classified as a Variant of Uncertain Significance.

This study involves interpretation of variants in research participants for the purpose of population health screening. Participant phenotype was not available at the time of variant classification. Additional details can be found in publication PMID: 35346344, PMCID: PMC8962531

Color Diagnostics, LLC DBA Color Health
Classification: Uncertain significance for Tuberous sclerosis syndrome. Last evaluated: 2023-09-20. Review status: criteria provided, single submitter. Criteria: ACMG Guidelines, 2015. Collection method: clinical testing. Allele origin: germline.
Comment: This variant causes a C to A nucleotide substitution at the -14 position of intron 15 of the TSC2 gene. To our knowledge, functional studies have not been reported for this variant. This variant has not been reported in individuals affected with tuberous sclerosis complex in the literature. This variant has been identified in 2/280996 chromosomes in the general population by the Genome Aggregation Database (gnomAD). The available evidence is insufficient to determine the role of this variant in disease conclusively. Therefore, this variant is classified as a Variant of Uncertain Significance.

GeneDx
Classification: Likely benign. Last evaluated: 2015-07-06. Review status: criteria provided, single submitter. Criteria: GeneDx Variant Classification (06012015). Collection method: clinical testing. Allele origin: germline. Affected: yes.
Comment: This variant is considered likely benign or benign based on one or more of the following criteria: it is a conservative change, it occurs at a poorly conserved position in the protein, it is predicted to be benign by multiple in silico algorithms, and/or has population frequency not consistent with disease.

Dr. Peter K. Rogan Lab, Western University
No classification provided (evidence only). Condition: Sarcoma. Review status: no classification provided. Collection method: in vitro. Allele origin: not applicable. Functional consequence: retained intron. Not counted in ClinVar's aggregate classification.